The following is an entry in ClinVar:

ClinVar aggregate classification (germline): Uncertain significance (1 of 4 stars; one submission).

Conditions:
Mendelian susceptibility to mycobacterial diseases due to complete IL12RB1 deficiency. Also called: IL12RB1 DEFICIENCY; Immunodeficiency 30. Identifiers: Orphanet 319552, MedGen C4013949, MONDO:0013955, OMIM 614891.

Allele frequency attached by ClinVar (database versions not stated): gnomAD 0.00001 and 0.00002; TOPMed 0.00002; ExAC 0.00003; gnomAD exomes 0.00002.

Submission:

Labcorp Genetics (formerly Invitae), Labcorp
Classification: Uncertain significance for Mendelian susceptibility to mycobacterial diseases due to complete IL12RB1 deficiency. Last evaluated: 2022-07-19. Review status: criteria provided, single submitter. Criteria: Invitae Variant Classification Sherloc (09022015). Collection method: clinical testing. Allele origin: germline.
Comment: This sequence change replaces arginine, which is basic and polar, with cysteine, which is neutral and slightly polar, at codon 156 of the IL12RB1 protein (p.Arg156Cys). This variant is present in population databases (rs764553452, gnomAD 0.02%). This variant has not been reported in the literature in individuals affected with IL12RB1-related conditions. ClinVar contains an entry for this variant (Variation ID: 1347659). Algorithms developed to predict the effect of missense changes on protein structure and function (SIFT, PolyPhen-2, Align-GVGD) all suggest that this variant is likely to be disruptive. In summary, the available evidence is currently insufficient to determine the role of this variant in disease. Therefore, it has been classified as a Variant of Uncertain Significance.

NM_005535.3(IL12RB1):c.466C>T (p.Arg156Cys)

Gene: IL12RB1 (interleukin 12 receptor subunit beta 1; minus strand). Cytogenetic location: 19p13.11.
Variant type: single nucleotide variant.
Coding change: c.466C>T on transcript NM_005535.3 (MANE Select); coding-DNA position 466, C replaced by T.
Protein change: p.Arg156Cys; replaces arginine 156 with cysteine.
Molecular consequence: missense variant.
Genome position (GRCh38, 1-based): chr19:18,077,599, G>A on the plus strand (C>T on the coding strand, the complement: IL12RB1 is on the minus strand). VCF-style: chr19-18077599-G-A. GRCh37 (hg19) VCF-style: chr19-18188409-G-A.
Other names: c.466C>T, p.Arg156Cys (NM_001290023.2, NM_153701.3); c.586C>T, p.Arg196Cys (NM_001290024.2); short protein forms R156C, R196C.
Identifiers: ClinVar variation 1347659 (VCV001347659.3), dbSNP rs764553452, ClinGen allele CA9305205.